The following is an entry in ClinVar:

ClinVar aggregate classification (germline): Uncertain significance. Review status: criteria provided, multiple submitters, no conflicts (2 of 4 stars). 2 submissions from 2 submitters: Uncertain significance (2). Last evaluated 2025-12-17.

Conditions:
Inborn genetic diseases. Identifiers: MedGen C0950123, MeSH D030342.
Deafness-lymphedema-leukemia syndrome. Also called: Lymphedema, primary, with myelodysplasia; Emberger syndrome. Identifiers: Orphanet 3226, MedGen C3279664, MONDO:0013540, OMIM 614038.
Monocytopenia with susceptibility to infections. Also called: IMMUNODEFICIENCY 21; GATA2 DEFICIENCY; MONOCYTOPENIA WITH SUSCEPTIBILITY TO MYCOBACTERIAL, FUNGAL, AND PAPILLOMAVIRUS INFECTIONS AND MYELODYSPLASIA; COMBINED IMMUNODEFICIENCY WITH SUSCEPTIBILITY TO MYCOBACTERIAL, VIRAL, AND FUNGAL INFECTIONS; MONOCYTOPENIA AND MYCOBACTERIAL INFECTION SYNDROME; Dendritic cell, monocyte, B lymphocyte, and natural killer lymphocyte deficiency. Identifiers: Orphanet 228423, MedGen C3280030, MONDO:0013607, OMIM 614172.

Submissions (2):

Ambry Genetics
Classification: Uncertain significance for Inborn genetic diseases. Last evaluated: 2025-12-17. Review status: criteria provided, single submitter. Criteria: Ambry Variant Classification Scheme 2023. Collection method: clinical testing. Allele origin: germline.
Comment: The p.E206Q variant (also known as c.616G>C), located in coding exon 2 of the GATA2 gene, results from a G to C substitution at nucleotide position 616. The glutamic acid at codon 206 is replaced by glutamine, an amino acid with highly similar properties. This amino acid position is not well conserved in available vertebrate species. In addition, the in silico prediction for this alteration is inconclusive. Based on the available evidence, the clinical significance of this variant remains unclear.

Labcorp Genetics (formerly Invitae), Labcorp
Classification: Uncertain significance for Monocytopenia with susceptibility to infections; Deafness-lymphedema-leukemia syndrome. Last evaluated: 2016-09-15. Review status: criteria provided, single submitter. Criteria: Invitae Variant Classification Sherloc (09022015). Collection method: clinical testing. Allele origin: germline.
Comment: In summary, this variant is a novel missense change that is not predicted to affect protein function. There is no indication that it causes disease, but the available evidence is currently insufficient to prove that conclusively. Therefore, it has been classified as a Variant of Uncertain Significance. Algorithms developed to predict the effect of missense changes on protein structure and function (SIFT, PolyPhen-2, Align-GVGD) all suggest that this variant is likely to be tolerated, but these predictions have not been confirmed by published functional studies. This variant is not present in population databases (ExAC no frequency) and has not been reported in the literature in individuals with a GATA2-related disease. This sequence change replaces glutamic acid with glutamine at codon 206 of the GATA2 protein (p.Glu206Gln). The glutamic acid residue is moderately conserved and there is a small physicochemical difference between glutamic acid and glutamine.

NM_032638.5(GATA2):c.616G>C (p.Glu206Gln)

Gene: GATA2 (GATA binding protein 2; minus strand). Cytogenetic location: 3q21.3.
Variant type: single nucleotide variant.
Coding change: c.616G>C on transcript NM_032638.5 (MANE Select); coding-DNA position 616, G replaced by C.
Protein change: p.Glu206Gln; replaces glutamic acid 206 with glutamine.
Molecular consequence: missense variant.
Genome position (GRCh38, 1-based): chr3:128,485,982, C>G on the plus strand (G>C on the coding strand, the complement: GATA2 is on the minus strand). VCF-style: chr3-128485982-C-G. GRCh37 (hg19) VCF-style: chr3-128204825-C-G.
Other names: c.616G>C, p.Glu206Gln (NM_001145661.2, NM_001145662.1); short protein forms E206Q.
Identifiers: ClinVar variation 404076 (VCV000404076.9), dbSNP rs1060500087, ClinGen allele CA16611249.